The following is an entry in ClinVar:

ClinVar aggregate classification (germline): Uncertain significance (1 of 4 stars; one submission).

Conditions:
Inborn genetic diseases. Identifiers: MedGen C0950123, MeSH D030342.

Submission:

Ambry Genetics
Classification: Uncertain significance for Inborn genetic diseases. Last evaluated: 2025-08-25. Review status: criteria provided, single submitter. Criteria: Ambry Variant Classification Scheme 2023. Collection method: clinical testing. Allele origin: germline.
Comment: The p.D370N variant (also known as c.1108G>A), located in coding exon 12 of the RTEL1 gene, results from a G to A substitution at nucleotide position 1108. The aspartic acid at codon 370 is replaced by asparagine, an amino acid with highly similar properties. This amino acid position is conserved. In addition, this alteration is predicted to be tolerated by in silico analysis. Based on the available evidence, the clinical significance of this variant remains unclear.

NM_001283009.2(RTEL1):c.1108G>A (p.Asp370Asn)

Genes: RTEL1 (regulator of telomere elongation helicase 1; plus strand), RTEL1-TNFRSF6B (RTEL1-TNFRSF6B readthrough (NMD candidate); plus strand). Cytogenetic location: 20q13.33.
Variant type: single nucleotide variant.
Coding change: c.1108G>A on transcript NM_001283009.2 (MANE Select); coding-DNA position 1108, G replaced by A.
Protein change: p.Asp370Asn; replaces aspartic acid 370 with asparagine.
Molecular consequence: missense variant. On other transcripts: non-coding transcript variant (1).
Genome position (GRCh38, 1-based): chr20:63,679,919, G>A. VCF-style: chr20-63679919-G-A. GRCh37 (hg19) VCF-style: chr20-62311272-G-A.
Other names: c.439G>A, p.Asp147Asn (NM_001283010.1); c.1108G>A, p.Asp370Asn (NM_016434.4); c.1180G>A, p.Asp394Asn (NM_032957.5); short protein forms D370N, D394N, D147N.
Identifiers: ClinVar variation 4157700 (VCV004157700.1).